The following is an entry in ClinVar:

NM_001184.4(ATR):c.6730A>C (p.Lys2244Gln)

Gene: ATR (ATR checkpoint kinase; minus strand). Cytogenetic location: 3q23.
Variant type: single nucleotide variant.
Coding change: c.6730A>C on transcript NM_001184.4 (MANE Select); coding-DNA position 6730, A replaced by C.
Protein change: p.Lys2244Gln; replaces lysine 2244 with glutamine.
Molecular consequence: missense variant.
Genome position (GRCh38, 1-based): chr3:142,466,491, T>G on the plus strand (A>C on the coding strand, the complement: ATR is on the minus strand). VCF-style: chr3-142466491-T-G. GRCh37 (hg19) VCF-style: chr3-142185333-T-G.
Other names: c.6538A>C, p.Lys2180Gln (NM_001354579.2); short protein forms K2244Q, K2180Q.
Identifiers: ClinVar variation 1755137 (VCV001755137.2), dbSNP rs2473060583, ClinGen allele CA354802140.

ClinVar aggregate classification (germline): Uncertain significance (1 of 4 stars; one submission).

Conditions:
Inborn genetic diseases. Identifiers: MedGen C0950123, MeSH D030342.

Submission:

Ambry Genetics
Classification: Uncertain significance for Inborn genetic diseases. Last evaluated: 2021-10-16. Review status: criteria provided, single submitter. Criteria: Ambry Variant Classification Scheme 2023. Collection method: clinical testing. Allele origin: germline.
Comment: The p.K2244Q variant (also known as c.6730A>C), located in coding exon 40 of the ATR gene, results from an A to C substitution at nucleotide position 6730. The lysine at codon 2244 is replaced by glutamine, an amino acid with similar properties. This amino acid position is conserved. In addition, this alteration is predicted to be tolerated by in silico analysis. Since supporting evidence is limited at this time, the clinical significance of this alteration remains unclear.